The following is an entry in ClinVar:

ClinVar aggregate classification (germline): Likely benign. Review status: criteria provided, multiple submitters, no conflicts (2 of 4 stars). 2 submissions from 2 submitters: Likely benign (2). Last evaluated 2025-07-15.

Conditions:
Early-infantile DEE. Also called: Ohtahara syndrome; Early infantile epileptic encephalopathy with suppression bursts; Early infantile epileptic encephalopathy. Identifiers: Orphanet 1934, MedGen C0393706, MONDO:0800491.

Allele frequency attached by ClinVar (database versions not stated): TOPMed below 0.00001; ExAC 0.00001; gnomAD 0.00001; gnomAD exomes 0.00001 and 0.00002.
gnomAD v4.1: 16 of 1,612,960 alleles (0.00099%); highest among the groups gnomAD compares: Middle Eastern, 0.016%; no homozygotes.

Submissions (2):

Labcorp Genetics (formerly Invitae), Labcorp
Classification: Likely benign for Early-infantile DEE. Last evaluated: 2025-07-15. Review status: criteria provided, single submitter. Criteria: Invitae Variant Classification Sherloc (09022015). Collection method: clinical testing. Allele origin: germline.

GeneDx
Classification: Likely benign. Last evaluated: 2015-12-03. Review status: criteria provided, single submitter. Criteria: GeneDx Variant Classification (06012015). Collection method: clinical testing. Allele origin: germline. Affected: yes.
Comment: This variant is considered likely benign or benign based on one or more of the following criteria: it is a conservative change, it occurs at a poorly conserved position in the protein, it is predicted to be benign by multiple in silico algorithms, and/or has population frequency not consistent with disease.

NM_001191061.2(SLC25A22):c.742+18C>T

Gene: SLC25A22 (solute carrier family 25 member 22; minus strand). Cytogenetic location: 11p15.5.
Variant type: single nucleotide variant.
Coding change: c.742+18C>T on transcript NM_001191061.2 (MANE Select); 18 bases into the intron after coding-DNA position 742, C replaced by T.
Molecular consequence: intron variant.
Genome position (GRCh38, 1-based): chr11:792,286, G>A on the plus strand (C>T on the coding strand, the complement: SLC25A22 is on the minus strand). VCF-style: chr11-792286-G-A. GRCh37 (hg19) VCF-style: chr11-792286-G-A.
Other names: c.742+18C>T (NM_001191060.2, NM_024698.6).
Identifiers: ClinVar variation 381981 (VCV000381981.2), dbSNP rs750077318, ClinGen allele CA5789080.